The following is an entry in ClinVar:

NM_152296.5(ATP1A3):c.2851G>A (p.Glu951Lys)

Gene: ATP1A3 (ATPase Na+/K+ transporting subunit alpha 3; minus strand). Cytogenetic location: 19q13.2.
Variant type: single nucleotide variant.
Coding change: c.2851G>A on transcript NM_152296.5 (MANE Select); coding-DNA position 2851, G replaced by A.
Protein change: p.Glu951Lys; replaces glutamic acid 951 with lysine.
Molecular consequence: missense variant.
Genome position (GRCh38, 1-based): chr19:41,967,732, C>T on the plus strand (G>A on the coding strand, the complement: ATP1A3 is on the minus strand). VCF-style: chr19-41967732-C-T. GRCh37 (hg19) VCF-style: chr19-42471884-C-T.
Other names: c.2884G>A, p.Glu962Lys (NM_001256213.2); c.2890G>A, p.Glu964Lys (NM_001256214.2); short protein forms E964K, E951K, E962K.
Identifiers: ClinVar variation 1499117 (VCV001499117.10), dbSNP rs2145942372, ClinGen allele CA406035581.
Genomic context (GRCh38, chr19:41,967,732, plus strand): 5'-ACATGCGCAGGGCCACGTCCATGCCGGGGCAGTAGGACAGGAAGGCAGCCAGGGCCGTCT[C>T]CTCAAACAGCCCGAAGATCAGGATCTTGTTCCTGGAGGCACAGAAGGGCAGGGCTGGGCC-3'
Protein context (NP_689509.1, residues 941-961): NKILIFGLFE[Glu951Lys]TALAAFLSYC

ClinVar aggregate classification (germline): Likely pathogenic. Review status: criteria provided, single submitter (1 of 4 stars). 2 submissions from 2 submitters: Likely pathogenic (1). 1 of the submissions does not count toward it. Last evaluated 2022-10-17.

Conditions:
Dystonia 12 (DYT12). Also called: Rapid-Onset Dystonia-Parkinsonism (RDP); DYT-ATP1A3. Identifiers: Orphanet 71517, MedGen C1868681, MONDO:0007496, OMIM 128235.

Submissions (2):

Labcorp Genetics (formerly Invitae), Labcorp
Classification: Likely pathogenic for Dystonia 12. Last evaluated: 2022-10-17. Review status: criteria provided, single submitter. Criteria: Invitae Variant Classification Sherloc (09022015). Collection method: clinical testing. Allele origin: germline.
Comment: This sequence change replaces glutamic acid, which is acidic and polar, with lysine, which is basic and polar, at codon 951 of the ATP1A3 protein (p.Glu951Lys). This variant is not present in population databases (gnomAD no frequency). This missense change has been observed in individuals with alternating hemiplegia of childhood (PMID: 25996915, 26410222, 26417536). ClinVar contains an entry for this variant (Variation ID: 1499117). Advanced modeling of protein sequence and biophysical properties (such as structural, functional, and spatial information, amino acid conservation, physicochemical variation, residue mobility, and thermodynamic stability) performed at Invitae indicates that this missense variant is expected to disrupt ATP1A3 protein function. In summary, the currently available evidence indicates that the variant is pathogenic, but additional data are needed to prove that conclusively. Therefore, this variant has been classified as Likely Pathogenic.

GeneReviews
No classification provided. Condition: Dystonia 12. Review status: no classification provided. Collection method: literature only. Allele origin: germline. Not counted in ClinVar's aggregate classification.

Literature cited by the submitters: PubMed 25996915 (cited by Labcorp Genetics (formerly Invitae), Labcorp); PubMed 26410222 (cited by Labcorp Genetics (formerly Invitae), Labcorp); PubMed 26417536 (cited by Labcorp Genetics (formerly Invitae), Labcorp); NCBI Bookshelf NBK1115 (cited by GeneReviews).